The following is an entry in ClinVar:

ClinVar aggregate classification (germline): Pathogenic. Review status: criteria provided, single submitter (1 of 4 stars). 3 submissions from 3 submitters: Pathogenic (1). 2 of the submissions do not count toward it. Last evaluated 2024-08-28.

Conditions:
Hearing loss, autosomal dominant 78. Also called: DEAFNESS, AUTOSOMAL DOMINANT 78. Identifiers: MedGen C5436768, MONDO:0033665, OMIM 619081.
Hearing loss. Identifiers: MedGen C3887873.

Submissions (3):

Labcorp Genetics (formerly Invitae), Labcorp
Classification: Pathogenic. Last evaluated: 2024-08-28. Review status: criteria provided, single submitter. Criteria: Invitae Variant Classification Sherloc (09022015). Collection method: clinical testing. Allele origin: germline.
Comment: This sequence change replaces glutamic acid, which is acidic and polar, with lysine, which is basic and polar, at codon 979 of the SLC12A2 protein (p.Glu979Lys). This variant is not present in population databases (gnomAD no frequency). This missense change has been observed in individual(s) with deafness (PMID: 32294086, 32658972). In at least one individual the variant was observed to be de novo. ClinVar contains an entry for this variant (Variation ID: 804310). Invitae Evidence Modeling of protein sequence and biophysical properties (such as structural, functional, and spatial information, amino acid conservation, physicochemical variation, residue mobility, and thermodynamic stability) indicates that this missense variant is not expected to disrupt SLC12A2 protein function with a negative predictive value of 95%. Algorithms developed to predict the effect of sequence changes on RNA splicing suggest that this variant may disrupt the consensus splice site. For these reasons, this variant has been classified as Pathogenic.

OMIM
Classification: Pathogenic for DEAFNESS, AUTOSOMAL DOMINANT 78. Last evaluated: 2020-11-09. Review status: no assertion criteria provided. Collection method: literature only. Allele origin: germline. Not counted in ClinVar's aggregate classification.

National Institute of Sensory Organs, National Hospital Organization Tokyo Medical Center
Classification: association for Hearing loss. Last evaluated: 2019-09-10. Review status: no assertion criteria provided. Collection method: clinical testing. Allele origin: de novo. Inheritance: Sporadic. Affected: yes. Observed: 1 variant allele, 2 heterozygotes. Clinical features observed: Hearing impairment (HP:0000365), Sensorineural hearing loss (HP:0000407), Severe hearing impairment (HP:0012714). Segregation with disease observed. Not counted in ClinVar's aggregate classification.
Comment: de novo variant

Literature cited by the submitters: PubMed 32294086 (cited by Labcorp Genetics (formerly Invitae), Labcorp and OMIM); PubMed 32658972 (cited by Labcorp Genetics (formerly Invitae), Labcorp and OMIM).

NM_001046.3(SLC12A2):c.2935G>A (p.Glu979Lys)

Gene: SLC12A2 (solute carrier family 12 member 2; plus strand). Cytogenetic location: 5q23.3.
Variant type: single nucleotide variant.
Coding change: c.2935G>A on transcript NM_001046.3 (MANE Select); coding-DNA position 2935, G replaced by A.
Protein change: p.Glu979Lys; replaces glutamic acid 979 with lysine.
Molecular consequence: missense variant. On other transcripts: non-coding transcript variant (1), intron variant (1).
Genome position (GRCh38, 1-based): chr5:128,177,110, G>A. VCF-style: chr5-128177110-G-A. GRCh37 (hg19) VCF-style: chr5-127512802-G-A.
Other names: c.2930-1457G>A (NM_001256461.2); short protein forms E979K.
Identifiers: ClinVar variation 804310 (VCV000804310.5), dbSNP rs1581138934, ClinGen allele CA360737934.